The following is an entry in ClinVar:

ClinVar aggregate classification (germline): Uncertain significance (1 of 4 stars; one submission).

Allele frequency attached by ClinVar (database versions not stated): gnomAD exomes below 0.00001.
gnomAD v4.1: 1 of 1,493,950 alleles (0.000067%); highest among the groups gnomAD compares: Non-Finnish European, 0.000089%; no homozygotes.

Submission:

Labcorp Genetics (formerly Invitae), Labcorp
Classification: Uncertain significance. Last evaluated: 2022-02-22. Review status: criteria provided, single submitter. Criteria: Invitae Variant Classification Sherloc (09022015). Collection method: clinical testing. Allele origin: germline.
Comment: This sequence change replaces proline, which is neutral and non-polar, with serine, which is neutral and polar, at codon 1149 of the GRIN2D protein (p.Pro1149Ser). This variant is not present in population databases (gnomAD no frequency). This variant has not been reported in the literature in individuals affected with GRIN2D-related conditions. Advanced modeling of protein sequence and biophysical properties (such as structural, functional, and spatial information, amino acid conservation, physicochemical variation, residue mobility, and thermodynamic stability) performed at Invitae indicates that this missense variant is not expected to disrupt GRIN2D protein function. In summary, the available evidence is currently insufficient to determine the role of this variant in disease. Therefore, it has been classified as a Variant of Uncertain Significance.

NM_000836.4(GRIN2D):c.3445C>T (p.Pro1149Ser)

Gene: GRIN2D (glutamate ionotropic receptor NMDA type subunit 2D; plus strand). Cytogenetic location: 19q13.33.
Variant type: single nucleotide variant.
Coding change: c.3445C>T on transcript NM_000836.4 (MANE Select); coding-DNA position 3445, C replaced by T.
Protein change: p.Pro1149Ser; replaces proline 1149 with serine.
Molecular consequence: missense variant.
Genome position (GRCh38, 1-based): chr19:48,443,371, C>T. VCF-style: chr19-48443371-C-T. GRCh37 (hg19) VCF-style: chr19-48946628-C-T.
Other names: short protein forms P1149S.
Identifiers: ClinVar variation 2074874 (VCV002074874.4), dbSNP rs2513693293, ClinGen allele CA406676264.
Genomic context (GRCh38, chr19:48,443,371, plus strand): 5'-CTGGAGCCCTGGTGGTTCGCCGACTTCCCTTACCCGTATGCCGAGCGCCTCGGGCCGCCG[C>T]CCGGCCGCTACTGGTCGGTCGACAAGCTCGGGGGCTGGCGCGCCGGGAGCTGGGACTACC-3'
Protein context (NP_000827.2, residues 1139-1159): YPYAERLGPP[Pro1149Ser]GRYWSVDKLG